The following is an entry in ClinVar:

ClinVar aggregate classification (germline): Pathogenic. Review status: reviewed by expert panel (3 of 4 stars). 2 submissions from 2 submitters: Pathogenic (1). 1 of the submissions does not count toward it. Last evaluated 2024-03-26.

Conditions:
Hereditary thrombocytopenia and hematologic cancer predisposition syndrome. Identifiers: Orphanet 71290, MedGen CN281654, MONDO:0011071.

Submissions (2):

ClinGen Myeloid Malignancy Variant Curation Expert Panel
Classification: Pathogenic for Hereditary thrombocytopenia and hematologic cancer predisposition syndrome. Last evaluated: 2024-03-26. Review status: reviewed by expert panel. Criteria: ClinGen MyeloMalig ACMG Specifications v2. Collection method: curation. Allele origin: germline. Inheritance: Autosomal dominant inheritance.
Comment: The NM_001754.4:c.240_241del (p.Glu80fs) variant is a frameshift variant that is predicted to introduce a premature stop codon and expected to result in nonsense-mediated mRNA decay (PVS1). This variant is completely absent from all population databases with at least 20x coverage for RUNX1 (PM2_supporting). This variant is a nonsense/frameshift variants that is downstream of c.98 (PM5_Supporting). Two unpublished probands meeting the RUNX1 phenotype criteria are noted (PS4_Moderate; SCV000807768.1). In summary, this variant meets criteria to be classified as likely pathogenic. ACMG/AMP criteria applied, as specified by the Myeloid Malignancy Variant Curation Expert Panel for RUNX1: PVS1, PM2_supporting, PM5_supporting, PS4_Moderate.

PreventionGenetics, part of Exact Sciences
Classification: Pathogenic. Last evaluated: 2019-10-06. Review status: criteria provided, single submitter. Criteria: ACMG Guidelines, 2015. Collection method: clinical testing. Allele origin: germline. Not counted in ClinVar's aggregate classification.

NM_001754.5(RUNX1):c.240_241del (p.Glu80fs)

Gene: RUNX1 (RUNX family transcription factor 1; minus strand). Cytogenetic location: 21q22.12.
Variant type: Deletion.
Coding change: c.240_241del on transcript NM_001754.5 (MANE Select); coding-DNA positions 240 to 241, 2 bases deleted (GG; older notation c.240_241delGG).
Protein change: p.Glu80fs; shifts the reading frame from glutamic acid 80.
Molecular consequence: frameshift variant.
Genome position (GRCh38, 1-based): chr21:34,886,953-34,886,954, CC deleted on the plus strand (GG on the coding strand, the reverse complement: RUNX1 is on the minus strand). VCF-style (leftmost placement, unchanged base first): chr21-34886952-ACC-A. GRCh37 (hg19) VCF-style: chr21-36259249-ACC-A.
Other names: NM_001754.5(RUNX1):c.240_241del; c.240_241del (NM_001754.4, NM_001754.4); c.159_160del, p.Glu53fs (NM_001001890.3, NM_001122607.2); c.240_241delGG (NM_001754.4); short protein forms E80fs, E53fs.
Identifiers: ClinVar variation 561230 (VCV000561230.5), dbSNP rs1569084388, ClinGen allele CA658824422.